The following is an entry in ClinVar:

ClinVar aggregate classification (germline): Benign (0 of 4 stars; one submission).

Conditions:
DNAH17-related disorder. Also called: DNAH17-related condition.

Allele frequency attached by ClinVar (database versions not stated): ESP Exome Variant Server 0.00039; gnomAD 0.00219; 1000 Genomes Project 0.00699; 1000 Genomes Project 30x 0.00765.
gnomAD v4.1: 2,940 of 1,614,048 alleles (0.18%); highest among the groups gnomAD compares: East Asian, 3%; 49 homozygotes.

Submission:

PreventionGenetics, part of Exact Sciences
Classification: Benign for DNAH17-related condition. Last evaluated: 2024-05-28. Review status: no assertion criteria provided. Collection method: clinical testing. Allele origin: germline.
Comment: This variant is classified as benign based on ACMG/AMP sequence variant interpretation guidelines (Richards et al. 2015 PMID: 25741868, with internal and published modifications).

NM_173628.4(DNAH17):c.3995C>T (p.Ala1332Val)

Gene: DNAH17 (dynein axonemal heavy chain 17; minus strand). Cytogenetic location: 17q25.3.
Variant type: single nucleotide variant.
Coding change: c.3995C>T on transcript NM_173628.4 (MANE Select); coding-DNA position 3995, C replaced by T.
Protein change: p.Ala1332Val; replaces alanine 1332 with valine.
Molecular consequence: missense variant.
Genome position (GRCh38, 1-based): chr17:78,514,892, G>A on the plus strand (C>T on the coding strand, the complement: DNAH17 is on the minus strand). VCF-style: chr17-78514892-G-A. GRCh37 (hg19) VCF-style: chr17-76510974-G-A.
Other names: short protein forms A1332V.
Identifiers: ClinVar variation 3043029 (VCV003043029.2), dbSNP rs78098467, ClinGen allele CA8803943.
Genomic context (GRCh38, chr17:78,514,892, plus strand): 5'-TCGCTCACGGCACGCAGGGACGTGATCACGTTTTTCACGGTGTTGTCGAGCCCCACGAAG[G>A]CATCCCAGGTTTTCATCTCCTTGTCCAAAGACCTCATGTCCTTGGCAAACTTCTTACAAT-3'
Protein context (NP_775899.3, residues 1322-1342): SLDKEMKTWD[Ala1332Val]FVGLDNTVKN